The following is an entry in ClinVar:

NC_012920.1(MT-TL2):m.12280A>G

Gene: MT-TL2 (mitochondrially encoded tRNA leucine 2 (CUN); plus strand).
Variant type: single nucleotide variant.
Genome position: chrM-12280-A-G.
Identifiers: ClinVar variation 690185 (VCV000690185.1), dbSNP rs1603223649, ClinGen allele CA913169964.

ClinVar aggregate classification (germline): Benign (1 of 4 stars; one submission).

Conditions:
MELAS syndrome (MELAS). Also called: Juvenile myopathy, encephalopathy, lactic acidosis, stroke. Identifiers: Orphanet 550, MedGen C0162671, MONDO:0010789, OMIM 540000.

Submission:

Wong Mito Lab, Molecular and Human Genetics, Baylor College of Medicine
Classification: Benign for MELAS syndrome. Last evaluated: 2019-07-12. Review status: criteria provided, single submitter. Criteria: Modified ACMG Guidelines (Unpublished). Collection method: clinical testing. Allele origin: germline.
Comment: The NC_012920.1:m.12280A>G variant in MT-TL2 gene is interpreted to be a Benign variant based on the modified ACMG guidelines (unpublished). This variant meets the following evidence codes reported in the guidelines: BS1, BS4, BP4

Literature cited by the submitters: PubMed 31965079.